The following is an entry in ClinVar:

ClinVar aggregate classification (germline): Uncertain significance (0 of 4 stars; one submission).

Conditions:
MC3R-related disorder. Also called: MC3R-related condition.

Allele frequency attached by ClinVar (database versions not stated): TOPMed 0.00002; gnomAD 0.00010; gnomAD exomes 0.00030; ExAC 0.00073; 1000 Genomes Project 30x 0.00109; 1000 Genomes Project 0.00120.

Submission:

PreventionGenetics, part of Exact Sciences
Classification: Uncertain significance for MC3R-related condition. Last evaluated: 2024-08-22. Review status: no assertion criteria provided. Collection method: clinical testing. Allele origin: germline.
Comment: The MC3R c.291G>A variant is predicted to result in the amino acid substitution p.Met97Ile. This variant has been identified in individuals with childhood obesity (described as Met134Ile, Lee et al. 2007. PubMed ID: 17639020). Functional analyses of the p.Met97Ile variant showed it had decreased maximal binding, but displayed similar signaling properties as wild-type MC3R (described as M134I, Yang and Tao. 2012. PubMed ID: 22884546). This variant was also shown to increase cAMP activity, but had no significant effect on pERK1/2 levels (described as M134I, Yang et al. 2015. PubMed ID: 25798062). This variant is reported in 0.48% of alleles in individuals of South Asian descent in gnomAD, which may be too common to be a cause of disease. At this time, the clinical significance of this variant is uncertain due to the absence of conclusive functional and genetic evidence.

NM_019888.3(MC3R):c.291G>A (p.Met97Ile)

Gene: MC3R (melanocortin 3 receptor; plus strand). Cytogenetic location: 20q13.2.
Variant type: single nucleotide variant.
Coding change: c.291G>A on transcript NM_019888.3 (MANE Select); coding-DNA position 291, G replaced by A.
Protein change: p.Met97Ile; replaces methionine 97 with isoleucine.
Molecular consequence: missense variant.
Genome position (GRCh38, 1-based): chr20:56,249,134, G>A. VCF-style: chr20-56249134-G-A. GRCh37 (hg19) VCF-style: chr20-54824190-G-A.
Other names: short protein forms M97I.
Identifiers: ClinVar variation 3036447 (VCV003036447.2), dbSNP rs199684791, ClinGen allele CA9916963.